The following is an entry in ClinVar:

NM_006269.2(RP1):c.5080C>A (p.Gln1694Lys)

Genes: RP1 (RP1 axonemal microtubule associated; plus strand), LOC126860392 (CDK7 strongly-dependent group 2 enhancer GRCh37_chr8:55541319-55542518; plus strand). Cytogenetic location: 8q12.1.
Variant type: single nucleotide variant.
Coding change: c.5080C>A on transcript NM_006269.2 (MANE Select); coding-DNA position 5080, C replaced by A.
Protein change: p.Gln1694Lys; replaces glutamine 1694 with lysine.
Molecular consequence: missense variant. On other transcripts: intron variant (1).
Genome position (GRCh38, 1-based): chr8:54,628,962, C>A. VCF-style: chr8-54628962-C-A. GRCh37 (hg19) VCF-style: chr8-55541522-C-A.
Other names: c.787+6674C>A (NM_001375654.1); short protein forms Q1694K.
Identifiers: ClinVar variation 1908169 (VCV001908169.5), dbSNP rs754507628, ClinGen allele CA4752002.

ClinVar aggregate classification (germline): Uncertain significance (1 of 4 stars; one submission).

Allele frequency attached by ClinVar (database versions not stated): gnomAD exomes below 0.00001; ExAC 0.00001; gnomAD 0.00001.
gnomAD v4.1: 4 of 1,613,732 alleles (0.00025%); highest among the groups gnomAD compares: East Asian, 0.0045%; no homozygotes.

Submission:

Labcorp Genetics (formerly Invitae), Labcorp
Classification: Uncertain significance. Last evaluated: 2026-02-01. Review status: criteria provided, single submitter. Criteria: Invitae Variant Classification Sherloc (09022015). Collection method: clinical testing. Allele origin: germline.
Comment: This sequence change replaces glutamine, which is neutral and polar, with lysine, which is basic and polar, at codon 1694 of the RP1 protein (p.Gln1694Lys). This variant is present in population databases (rs754507628, gnomAD 0.005%). This variant has not been reported in the literature in individuals affected with RP1-related conditions. ClinVar contains an entry for this variant (Variation ID: 1908169). An algorithm developed to predict the effect of missense changes on protein structure and function (PolyPhen-2) suggests that this variant is likely to be disruptive. In summary, the available evidence is currently insufficient to determine the role of this variant in disease. Therefore, it has been classified as a Variant of Uncertain Significance.